The following is an entry in ClinVar:

ClinVar aggregate classification (germline): Uncertain significance (1 of 4 stars; one submission).

Conditions:
Brugada syndrome 8 (BRGDA8). Identifiers: Orphanet 130, MedGen C2751083, MONDO:0013148, OMIM 613123.

Submission:

Labcorp Genetics (formerly Invitae), Labcorp
Classification: Uncertain significance for Brugada syndrome 8. Last evaluated: 2025-02-08. Review status: criteria provided, single submitter. Criteria: Invitae Variant Classification Sherloc (09022015). Collection method: clinical testing. Allele origin: germline.
Comment: This sequence change replaces proline, which is neutral and non-polar, with alanine, which is neutral and non-polar, at codon 771 of the HCN4 protein (p.Pro771Ala). This variant is not present in population databases (gnomAD no frequency). This variant has not been reported in the literature in individuals affected with HCN4-related conditions. Invitae Evidence Modeling of protein sequence and biophysical properties (such as structural, functional, and spatial information, amino acid conservation, physicochemical variation, residue mobility, and thermodynamic stability) has been performed for this missense variant. However, the output from this modeling did not meet the statistical confidence thresholds required to predict the impact of this variant on HCN4 protein function. In summary, the available evidence is currently insufficient to determine the role of this variant in disease. Therefore, it has been classified as a Variant of Uncertain Significance.

NM_005477.3(HCN4):c.2311C>G (p.Pro771Ala)

Gene: HCN4 (hyperpolarization activated cyclic nucleotide gated potassium channel 4; minus strand). Cytogenetic location: 15q24.1.
Variant type: single nucleotide variant.
Coding change: c.2311C>G on transcript NM_005477.3 (MANE Select); coding-DNA position 2311, C replaced by G.
Protein change: p.Pro771Ala; replaces proline 771 with alanine.
Molecular consequence: missense variant.
Genome position (GRCh38, 1-based): chr15:73,323,782, G>C on the plus strand (C>G on the coding strand, the complement: HCN4 is on the minus strand). VCF-style: chr15-73323782-G-C. GRCh37 (hg19) VCF-style: chr15-73616123-G-C.
Other names: short protein forms P771A.
Identifiers: ClinVar variation 4730953 (VCV004730953.1).